The following is an entry in ClinVar:

NM_006231.4(POLE):c.720+16T>C

Gene: POLE (DNA polymerase epsilon, catalytic subunit; minus strand). Cytogenetic location: 12q24.33.
Variant type: single nucleotide variant.
Coding change: c.720+16T>C on transcript NM_006231.4 (MANE Select); 16 bases into the intron after coding-DNA position 720, T replaced by C.
Molecular consequence: intron variant.
Genome position (GRCh38, 1-based): chr12:132,677,562, A>G on the plus strand (T>C on the coding strand, the complement: POLE is on the minus strand). VCF-style: chr12-132677562-A-G. GRCh37 (hg19) VCF-style: chr12-133254148-A-G.
Identifiers: ClinVar variation 371978 (VCV000371978.20), dbSNP rs200320553, ClinGen allele CA6894219.
Genomic context (GRCh38, chr12:132,677,562, plus strand): 5'-TGGATTCACCCATAATGATCATCTCCTGGCTGTTAGGAAATTCATGTGAGCAGCGACCCA[A>G]CCCTGCCCCACTCACCACGTGGATCTTCAGGTCAATGGAGAGGCGGATGTGGTAGGGAAC-3'

ClinVar aggregate classification (germline): Likely benign. Review status: criteria provided, multiple submitters, no conflicts (2 of 4 stars). 7 submissions from 7 submitters: Likely benign (6). 1 of the submissions does not count toward it. Last evaluated 2026-02-03.

Conditions:
Intrauterine growth retardation, metaphyseal dysplasia, adrenal hypoplasia congenita, genital anomalies, and immunodeficiency. Also called: IMAGEI SYNDROME. Identifiers: MedGen C5193036, MONDO:0032684, OMIM 618336.
Colorectal cancer, susceptibility to, 12 (CRCS12). Also called: COLORECTAL CANCER, SUSCEPTIBILITY TO, ON CHROMOSOME 12q24. Identifiers: Orphanet 220460, MedGen C3554460, MONDO:0014038, OMIM 615083.
Facial dysmorphism-immunodeficiency-livedo-short stature syndrome. Also called: Facial dysmorphism, immunodeficiency, livedo, and short stature; FILS syndrome. Identifiers: Orphanet 352712, MedGen C3554576, MONDO:0014058, OMIM 615139.
Hereditary cancer-predisposing syndrome. Also called: Hereditary Cancer Syndrome; Hereditary neoplastic syndrome; Tumor predisposition; Neoplastic Syndromes, Hereditary. Identifiers: Orphanet 140162, MedGen C0027672, MeSH D009386, MONDO:0015356.

Allele frequency attached by ClinVar (database versions not stated): gnomAD 0.00004 and 0.00006; gnomAD exomes 0.00004 and 0.00006; ExAC 0.00005; TOPMed 0.00008; ESP Exome Variant Server 0.00015; 1000 Genomes Project 30x 0.00016; 1000 Genomes Project 0.00020.
gnomAD v4.1: 73 of 1,614,112 alleles (0.0045%); highest among the groups gnomAD compares: Non-Finnish European, 0.0054%; no homozygotes.

Submissions (7):

Labcorp Genetics (formerly Invitae), Labcorp
Classification: Likely benign. Last evaluated: 2026-02-03. Review status: criteria provided, single submitter. Criteria: Invitae Variant Classification Sherloc (09022015). Collection method: clinical testing. Allele origin: germline.

Center for Genomic Medicine, Rigshospitalet, Copenhagen University Hospital
Classification: Likely benign. Last evaluated: 2025-03-04. Review status: criteria provided, single submitter. Criteria: ACMG Guidelines, 2015. Collection method: clinical testing. Allele origin: germline.

Molecular Diagnostics Laboratory, Catalan Institute of Oncology
Classification: Likely benign for Hereditary cancer-predisposing syndrome. Last evaluated: 2024-12-03. Review status: criteria provided, single submitter. Criteria: Submitter's publication. Collection method: clinical testing. Allele origin: germline.
Comment: BP4, BP7 POLE c.720+16T>C is an intronic variant located not very close to a canonical splice site.The SpliceAI algorithm predicts no significant impact on splicing (BP4, BP7). This variant is found in 14/268127 alleles at a frequency of 0.005% in the gnomAD v2.1.1 database, non-cancer dataset. To our knowledge, neither relevant clinical data nor well-established functional studies have been reported for this variant. The variant is present in ClinVar database (2x likely benign) and LOVD database (1x uncertain significance). Based on currently available information, the variant c.720+16T>C is classified as a likely benign variant according to ACMG guidelines.

Blueprint Genetics
Classification: Likely benign. Last evaluated: 2024-03-21. Review status: criteria provided, single submitter. Criteria: ACMG Guidelines, 2015. Collection method: clinical testing. Allele origin: germline.

Fulgent Genetics
Classification: Likely benign for Colorectal cancer, susceptibility to, 12; Facial dysmorphism-immunodeficiency-livedo-short stature syndrome; Intrauterine growth retardation, metaphyseal dysplasia, adrenal hypoplasia congenita, genital anomalies, and immunodeficiency. Last evaluated: 2022-05-04. Review status: criteria provided, single submitter. Criteria: ACMG Guidelines, 2015. Collection method: clinical testing. Allele origin: unknown.

GeneDx
Classification: Likely benign. Last evaluated: 2017-10-06. Review status: criteria provided, single submitter. Criteria: GeneDx Variant Classification (06012015). Collection method: clinical testing. Allele origin: germline. Affected: yes.
Comment: This variant is considered likely benign or benign based on one or more of the following criteria: it is a conservative change, it occurs at a poorly conserved position in the protein, it is predicted to be benign by multiple in silico algorithms, and/or has population frequency not consistent with disease.

Counsyl
Classification: Likely benign for Colorectal cancer, susceptibility to, 12. Last evaluated: 2016-09-26. Review status: no assertion criteria provided. Collection method: clinical testing. Allele origin: unknown. Not counted in ClinVar's aggregate classification.